The following is an entry in ClinVar:

NM_001101426.4(CRPPA):c.587A>T (p.Asp196Val)

Gene: CRPPA (CDP-L-ribitol pyrophosphorylase A; minus strand). Cytogenetic location: 7p21.2.
Variant type: single nucleotide variant.
Coding change: c.587A>T on transcript NM_001101426.4 (MANE Select); coding-DNA position 587, A replaced by T.
Protein change: p.Asp196Val; replaces aspartic acid 196 with valine.
Molecular consequence: missense variant. On other transcripts: non-coding transcript variant (1), intron variant (1).
Genome position (GRCh38, 1-based): chr7:16,376,189, T>A on the plus strand (A>T on the coding strand, the complement: CRPPA is on the minus strand). VCF-style: chr7-16376189-T-A. GRCh37 (hg19) VCF-style: chr7-16415814-T-A.
Other names: c.587A>T, p.Asp196Val (NM_001368197.1); c.534+29872A>T (NM_001101417.4); c.587A>T (NM_001101426.3); short protein forms D196V.
Identifiers: ClinVar variation 3760281 (VCV003760281.2).

ClinVar aggregate classification (germline): Uncertain significance. Review status: criteria provided, multiple submitters, no conflicts (2 of 4 stars). 2 submissions from 2 submitters: Uncertain significance (2). Last evaluated 2025-08-26.

Conditions:
Muscular dystrophy-dystroglycanopathy (congenital with brain and eye anomalies), type A, 7. Also called: WALKER-WARBURG SYNDROME OR MUSCLE-EYE-BRAIN DISEASE, ISPD-RELATED; Congenital muscular dystrophy-dystroglycanopathy with brain and eye anomalies, type A7. Identifiers: Orphanet 899, MedGen C3553330, MONDO:0013835, OMIM 614643.
Autosomal recessive limb-girdle muscular dystrophy type 2U. Also called: Muscular dystrophy-dystroglycanopathy (limb-girdle), type c, 7; MUSCULAR DYSTROPHY, LIMB-GIRDLE, TYPE 2U. Identifiers: Orphanet 352479, MedGen C5190987, MONDO:0014474, OMIM 616052.

gnomAD v4.1: 2 of 1,613,254 alleles (0.00012%); highest among the groups gnomAD compares: Non-Finnish European, 0.00017%; no homozygotes.

Submissions (2):

Ambry Genetics
Classification: Uncertain significance. Last evaluated: 2025-08-26. Review status: criteria provided, single submitter. Criteria: Ambry Variant Classification Scheme 2023. Collection method: clinical testing. Allele origin: germline.

Labcorp Genetics (formerly Invitae), Labcorp
Classification: Uncertain significance for Muscular dystrophy-dystroglycanopathy (congenital with brain and eye anomalies), type A, 7; Autosomal recessive limb-girdle muscular dystrophy type 2U. Last evaluated: 2024-06-09. Review status: criteria provided, single submitter. Criteria: Invitae Variant Classification Sherloc (09022015). Collection method: clinical testing. Allele origin: germline.
Comment: This sequence change replaces aspartic acid, which is acidic and polar, with valine, which is neutral and non-polar, at codon 196 of the ISPD protein (p.Asp196Val). This variant is not present in population databases (gnomAD no frequency). This variant has not been reported in the literature in individuals affected with ISPD-related conditions. Advanced modeling of protein sequence and biophysical properties (such as structural, functional, and spatial information, amino acid conservation, physicochemical variation, residue mobility, and thermodynamic stability) performed at Invitae indicates that this missense variant is not expected to disrupt ISPD protein function with a negative predictive value of 80%. In summary, the available evidence is currently insufficient to determine the role of this variant in disease. Therefore, it has been classified as a Variant of Uncertain Significance.